The following is an entry in ClinVar:

ClinVar aggregate classification (germline): Uncertain significance. Review status: criteria provided, multiple submitters, no conflicts (2 of 4 stars). 2 submissions from 2 submitters: Uncertain significance (2). Last evaluated 2024-12-29.

Conditions:
Baller-Gerold syndrome (BGS). Also called: CRANIOSYNOSTOSIS WITH RADIAL DEFECTS. Identifiers: Orphanet 1225, MedGen C0265308, MONDO:0009039, OMIM 218600.
Inborn genetic diseases. Identifiers: MedGen C0950123, MeSH D030342.

gnomAD v4.1: 1 of 1,611,262 alleles (0.000062%); highest among the groups gnomAD compares: Admixed American, 0.0017%; no homozygotes.

Submissions (2):

Ambry Genetics
Classification: Uncertain significance for Inborn genetic diseases. Last evaluated: 2024-12-29. Review status: criteria provided, single submitter. Criteria: Ambry Variant Classification Scheme 2023. Collection method: clinical testing. Allele origin: germline.
Comment: The p.G366C variant (also known as c.1096G>T), located in coding exon 5 of the RECQL4 gene, results from a G to T substitution at nucleotide position 1096. The glycine at codon 366 is replaced by cysteine, an amino acid with highly dissimilar properties. This amino acid position is conserved. In addition, the in silico prediction for this alteration is inconclusive. Based on the available evidence, the clinical significance of this variant remains unclear.

Labcorp Genetics (formerly Invitae), Labcorp
Classification: Uncertain significance for Baller-Gerold syndrome. Last evaluated: 2024-05-06. Review status: criteria provided, single submitter. Criteria: Invitae Variant Classification Sherloc (09022015). Collection method: clinical testing. Allele origin: germline.
Comment: This sequence change replaces glycine, which is neutral and non-polar, with cysteine, which is neutral and slightly polar, at codon 366 of the RECQL4 protein (p.Gly366Cys). This variant is not present in population databases (gnomAD no frequency). This variant has not been reported in the literature in individuals affected with RECQL4-related conditions. ClinVar contains an entry for this variant (Variation ID: 1403354). Advanced modeling of protein sequence and biophysical properties (such as structural, functional, and spatial information, amino acid conservation, physicochemical variation, residue mobility, and thermodynamic stability) performed at Invitae indicates that this missense variant is expected to disrupt RECQL4 protein function with a positive predictive value of 80%. In summary, the available evidence is currently insufficient to determine the role of this variant in disease. Therefore, it has been classified as a Variant of Uncertain Significance.

NM_004260.4(RECQL4):c.1096G>T (p.Gly366Cys)

Gene: RECQL4 (RecQ like helicase 4; minus strand). Cytogenetic location: 8q24.3.
Variant type: single nucleotide variant.
Coding change: c.1096G>T on transcript NM_004260.4 (MANE Select); coding-DNA position 1096, G replaced by T.
Protein change: p.Gly366Cys; replaces glycine 366 with cysteine.
Molecular consequence: missense variant.
Genome position (GRCh38, 1-based): chr8:144,516,023, C>A on the plus strand (G>T on the coding strand, the complement: RECQL4 is on the minus strand). VCF-style: chr8-144516023-C-A. GRCh37 (hg19) VCF-style: chr8-145741407-C-A.
Other names: c.1096G>T (NM_004260.3); short protein forms G366C.
Identifiers: ClinVar variation 1403354 (VCV001403354.8), dbSNP rs763114749, ClinGen allele CA372688058.